The following is an entry in ClinVar:

ClinVar aggregate classification (germline): Likely benign. Review status: criteria provided, single submitter (1 of 4 stars). 2 submissions from 2 submitters: Likely benign (1). 1 of the submissions does not count toward it. Last evaluated 2020-02-21.

Conditions:
COL5A1-related disorder. Also called: COL5A1-related condition.

Allele frequency attached by ClinVar (database versions not stated): ExAC 0.00002; gnomAD exomes 0.00002 and 0.00011; TOPMed 0.00006; gnomAD 0.00008 and 0.00009; ESP Exome Variant Server 0.00010.
gnomAD v4.1: 174 of 1,613,238 alleles (0.011%); highest among the groups gnomAD compares: Non-Finnish European, 0.014%; no homozygotes.

Submissions (2):

GeneDx
Classification: Likely benign. Last evaluated: 2020-02-21. Review status: criteria provided, single submitter. Criteria: GeneDx Variant Classification Process June 2021. Collection method: clinical testing. Allele origin: germline. Affected: yes.

PreventionGenetics, part of Exact Sciences
Classification: Likely benign for COL5A1-related condition. Last evaluated: 2022-08-29. Review status: no assertion criteria provided. Collection method: clinical testing. Allele origin: germline. Not counted in ClinVar's aggregate classification.
Comment: This variant is classified as likely benign based on ACMG/AMP sequence variant interpretation guidelines (Richards et al. 2015 PMID: 25741868, with internal and published modifications).

NM_000093.5(COL5A1):c.5136+55A>G

Genes: COL5A1 (collagen type V alpha 1 chain; plus strand), LOC101448202 (uncharacterized LOC101448202; minus strand). Cytogenetic location: 9q34.3.
Variant type: single nucleotide variant.
Coding change: c.5136+55A>G on transcript NM_000093.5 (MANE Select); 55 bases into the intron after coding-DNA position 5136, A replaced by G.
Molecular consequence: intron variant.
Genome position (GRCh38, 1-based): chr9:134,830,099, A>G. VCF-style: chr9-134830099-A-G. GRCh37 (hg19) VCF-style: chr9-137721945-A-G.
Other names: c.5068-9A>G (NM_001278074.1).
Identifiers: ClinVar variation 1206673 (VCV001206673.5), dbSNP rs374114460, ClinGen allele CA5320608.
Genomic context (GRCh38, chr9:134,830,099, plus strand): 5'-AAACTGGTAAGGTGGCCTCTGGCGTCTTTGCGGTTGTCACTTTAAACCCGCCCATCTCGT[A>G]TCTTACAGAGTAAAATGGCCCGCTGGCCCAAAGAGCAGCCTTCCACCTGGTATAGTCAGT-3'